The following is an entry in ClinVar:

ClinVar aggregate classification (germline): Uncertain significance. Review status: criteria provided, multiple submitters, no conflicts (2 of 4 stars). 2 submissions from 2 submitters: Uncertain significance (2). Last evaluated 2021-08-20.

Conditions:
Autosomal recessive limb-girdle muscular dystrophy type 2J (LGMDR10). Also called: MUSCULAR DYSTROPHY, LIMB-GIRDLE, AUTOSOMAL RECESSIVE 10; Limb-girdle muscular dystrophy, type 2J. Identifiers: Orphanet 140922, MedGen C1837342, MONDO:0012127, OMIM 608807.
Tibial muscular dystrophy (TMD). Also called: Udd Distal Myopathy – Tibial Muscular Dystrophy; UDD MYOPATHY; Tibial muscular dystrophy, tardive. Identifiers: Orphanet 609, MedGen C1838244, MONDO:0010870, OMIM 600334.
Dilated cardiomyopathy 1G (CMD1G). Identifiers: Orphanet 154, MedGen C1858763, MONDO:0011400, OMIM 604145.
Early-onset myopathy with fatal cardiomyopathy (CMYO5). Also called: CONGENITAL MYOPATHY 5 WITH CARDIOMYOPATHY; Salih Myopathy. Identifiers: Orphanet 289377, MedGen C2673677, MONDO:0012714, OMIM 611705. Disease mechanism: loss of function.
Myopathy, myofibrillar, 9, with early respiratory failure (MFM9). Also called: EDSTROM MYOPATHY; MYOPATHY, PROXIMAL, WITH EARLY RESPIRATORY MUSCLE INVOLVEMENT; Hereditary myopathy with early respiratory failure; Myopathy, distal, with early respiratory failure, autosomal dominant. Identifiers: Orphanet 178464, Orphanet 34521, MedGen C1863599, MONDO:0011362, OMIM 603689.
Hypertrophic cardiomyopathy 9. Also called: Familial hypertrophic cardiomyopathy 9. Identifiers: MedGen C1861065, MONDO:0013412, OMIM 613765.

Allele frequency attached by ClinVar (database versions not stated): gnomAD 0.00001; gnomAD exomes 0.00001 and 0.00002; ExAC 0.00002; TOPMed 0.00005.
gnomAD v4.1: 20 of 1,613,236 alleles (0.0012%); highest among the groups gnomAD compares: African/African-American, 0.008%; no homozygotes.

Submissions (2):

Fulgent Genetics
Classification: Uncertain significance for Tibial muscular dystrophy; Myopathy, myofibrillar, 9, with early respiratory failure; Dilated cardiomyopathy 1G; Autosomal recessive limb-girdle muscular dystrophy type 2J; Early-onset myopathy with fatal cardiomyopathy; Hypertrophic cardiomyopathy 9. Last evaluated: 2021-08-20. Review status: criteria provided, single submitter. Criteria: ACMG Guidelines, 2015. Collection method: clinical testing. Allele origin: unknown.

Laboratory for Molecular Medicine, Mass General Brigham Personalized Medicine
Classification: Uncertain significance. Last evaluated: 2016-03-18. Review status: criteria provided, single submitter. Criteria: LMM Criteria. Collection method: clinical testing. Allele origin: germline. Observed: 1 variant allele.
Comment: The p.Thr19041Met variant in TTN has not been previously reported in individuals with cardiomyopathy, but has been identified in 2/9782 African chromosomes by t he Exome Aggregation Consortium (ExAC; dbSNP rs7 65913263). Computational prediction tools and conservation analysis suggest that the p.Thr19041Met variant may impact the protein, though this information is no t predictive enough to determine pathogenicity. In summary, the clinical signifi cance of the p.Thr19041Met variant is uncertain.

NM_001267550.2(TTN):c.64826C>T (p.Thr21609Met)

Genes: TTN (titin; minus strand), TTN-AS1 (TTN antisense RNA 1; plus strand). Cytogenetic location: 2q31.2.
Variant type: single nucleotide variant.
Coding change: c.64826C>T on transcript NM_001267550.2 (MANE Select); coding-DNA position 64826, C replaced by T.
Protein change: p.Thr21609Met; replaces threonine 21609 with methionine.
Molecular consequence: missense variant. On other transcripts: non-coding transcript variant (1).
Genome position (GRCh38, 1-based): chr2:178,584,815, G>A on the plus strand (C>T on the coding strand, the complement: TTN is on the minus strand). VCF-style: chr2-178584815-G-A. GRCh37 (hg19) VCF-style: chr2-179449542-G-A.
Other names: c.57122C>T, p.Thr19041Met (NM_133378.4); c.59903C>T, p.Thr19968Met (NM_001256850.1); c.37631C>T, p.Thr12544Met (NM_003319.4); c.38006C>T, p.Thr12669Met (NM_133432.3); c.38207C>T, p.Thr12736Met (NM_133437.4); short protein forms T19041M, T21609M, T12544M, T12669M, T12736M, T19968M.
Identifiers: ClinVar variation 229486 (VCV000229486.6), dbSNP rs765913263, ClinGen allele CA1991833.